The following is an entry in ClinVar:

ClinVar aggregate classification (germline): Uncertain significance (1 of 4 stars; one submission).

Conditions:
Hypertrophic cardiomyopathy 26. Also called: Cardiomyopathy, familial hypertrophic, 26. Identifiers: Orphanet 75249, MedGen C4310749, MONDO:0014883, OMIM 617047.
Distal myopathy with posterior leg and anterior hand involvement. Also called: WILLIAMS DISTAL MYOPATHY. Identifiers: Orphanet 63273, MedGen C3279722, MONDO:0013550, OMIM 614065.
Myofibrillar myopathy 5. Also called: Filaminopathy (type); FILAMINOPATHY, AUTOSOMAL DOMINANT. Identifiers: Orphanet 171445, MedGen C1836050, MONDO:0012289, OMIM 609524.

Submission:

Labcorp Genetics (formerly Invitae), Labcorp
Classification: Uncertain significance for Distal myopathy with posterior leg and anterior hand involvement; Myofibrillar myopathy 5; Hypertrophic cardiomyopathy 26. Last evaluated: 2024-08-08. Review status: criteria provided, single submitter. Criteria: Invitae Variant Classification Sherloc (09022015). Collection method: clinical testing. Allele origin: germline.
Comment: This sequence change replaces serine, which is neutral and polar, with isoleucine, which is neutral and non-polar, at codon 752 of the FLNC protein (p.Ser752Ile). This variant is not present in population databases (gnomAD no frequency). This variant has not been reported in the literature in individuals affected with FLNC-related conditions. Advanced modeling of protein sequence and biophysical properties (such as structural, functional, and spatial information, amino acid conservation, physicochemical variation, residue mobility, and thermodynamic stability) has been performed at Invitae for this missense variant, however the output from this modeling did not meet the statistical confidence thresholds required to predict the impact of this variant on FLNC protein function. In summary, the available evidence is currently insufficient to determine the role of this variant in disease. Therefore, it has been classified as a Variant of Uncertain Significance.

NM_001458.5(FLNC):c.2255G>T (p.Ser752Ile)

Gene: FLNC (filamin C; plus strand). Cytogenetic location: 7q32.1.
Variant type: single nucleotide variant.
Coding change: c.2255G>T on transcript NM_001458.5 (MANE Select); coding-DNA position 2255, G replaced by T.
Protein change: p.Ser752Ile; replaces serine 752 with isoleucine.
Molecular consequence: missense variant.
Genome position (GRCh38, 1-based): chr7:128,842,364, G>T. VCF-style: chr7-128842364-G-T. GRCh37 (hg19) VCF-style: chr7-128482418-G-T.
Other names: c.2255G>T, p.Ser752Ile (NM_001127487.2); short protein forms S752I.
Identifiers: ClinVar variation 3761866 (VCV003761866.2).